The following is an entry in ClinVar:

ClinVar aggregate classification (germline): Uncertain significance. Review status: criteria provided, multiple submitters, no conflicts (2 of 4 stars). 2 submissions from 2 submitters: Uncertain significance (2). Last evaluated 2024-03-25.

Allele frequency attached by ClinVar (database versions not stated): gnomAD 0.00001 and 0.00005; TOPMed 0.00001; gnomAD exomes 0.00003 and 0.00004; ExAC 0.00004; 1000 Genomes Project 0.00040; 1000 Genomes Project 30x 0.00062.
gnomAD v4.1: 47 of 1,612,786 alleles (0.0029%); highest among the groups gnomAD compares: South Asian, 0.044%; 1 homozygote.

Submissions (2):

Ambry Genetics
Classification: Uncertain significance. Last evaluated: 2024-03-25. Review status: criteria provided, single submitter. Criteria: Ambry Variant Classification Scheme 2023. Collection method: clinical testing. Allele origin: germline.
Comment: Does not currently meet published gene-disease clinical validity criteria Based on insufficient or conflicting evidence, the clinical significance of this alteration remains unclear.

GeneDx
Classification: Uncertain significance. Last evaluated: 2019-10-24. Review status: criteria provided, single submitter. Criteria: GeneDx Variant Classification Process June 2021. Collection method: clinical testing. Allele origin: germline. Affected: yes.
Comment: In silico analysis, which includes protein predictors and evolutionary conservation, supports a deleterious effect; Has not been previously published as pathogenic or benign to our knowledge

Literature cited by the submitters: PubMed 28106320 (cited by Ambry Genetics).

NM_001486.4(GCKR):c.248T>C (p.Met83Thr)

Gene: GCKR (glucokinase regulator; plus strand). Cytogenetic location: 2p23.3.
Variant type: single nucleotide variant.
Coding change: c.248T>C on transcript NM_001486.4 (MANE Select); coding-DNA position 248, T replaced by C.
Protein change: p.Met83Thr; replaces methionine 83 with threonine.
Molecular consequence: missense variant.
Genome position (GRCh38, 1-based): chr2:27,497,593, T>C. VCF-style: chr2-27497593-T-C. GRCh37 (hg19) VCF-style: chr2-27720460-T-C.
Other names: short protein forms M83T.
Identifiers: ClinVar variation 1220089 (VCV001220089.4), dbSNP rs553943382, ClinGen allele CA1581481.